The following is an entry in ClinVar:

ClinVar aggregate classification (germline): Pathogenic. Review status: criteria provided, multiple submitters, no conflicts (2 of 4 stars). 4 submissions from 4 submitters: Pathogenic (4). Last evaluated 2023-12-13.
ClinVar aggregate classification (oncogenicity): Likely oncogenic (1 of 4 stars; one submission).

Conditions:
Hereditary cancer-predisposing syndrome. Also called: Neoplastic Syndromes, Hereditary; Hereditary neoplastic syndrome; Hereditary Cancer Syndrome; Tumor predisposition. Identifiers: Orphanet 140162, MedGen C0027672, MeSH D009386, MONDO:0015356.
Cardiovascular phenotype. Identifiers: MedGen CN230736.
Neurofibromatosis, type 1 (NF1). Also called: Neurofibromatosis, type I; VON RECKLINGHAUSEN DISEASE; NEUROFIBROMATOSIS, TYPE I, SOMATIC; Peripheral type neurofibromatosis. Identifiers: Orphanet 636, MedGen C0027831, MONDO:0018975, OMIM 162200. Disease mechanism: loss of function.
Neoplasm. Also called: Neoplasms; Neoplasm (disease); tumor. Identifiers: MedGen C0027651, MeSH D009369, MONDO:0005070, HP:0002664.

Submissions (5):

Center for Genomic Medicine, Rigshospitalet, Copenhagen University Hospital
Classification: Likely oncogenic for Neoplasm. Last evaluated: 2025-03-04. Review status: criteria provided, single submitter. Criteria: ClinGen/CGC/VICC Guidelines for Oncogenicity, 2022. Collection method: clinical testing. Allele origin: somatic. Affected: yes.

Labcorp Genetics (formerly Invitae), Labcorp
Classification: Pathogenic for Neurofibromatosis, type 1. Last evaluated: 2023-12-13. Review status: criteria provided, single submitter. Criteria: Invitae Variant Classification Sherloc (09022015). Collection method: clinical testing. Allele origin: germline.
Comment: This sequence change creates a premature translational stop signal (p.Gln1801*) in the NF1 gene. It is expected to result in an absent or disrupted protein product. Loss-of-function variants in NF1 are known to be pathogenic (PMID: 10712197, 23913538). This variant is not present in population databases (gnomAD no frequency). This premature translational stop signal has been observed in individual(s) with neurofibromatosis, type 1 (PMID: 16835897). ClinVar contains an entry for this variant (Variation ID: 996430). For these reasons, this variant has been classified as Pathogenic.

Genome-Nilou Lab
Classification: Pathogenic for Neurofibromatosis, type 1. Last evaluated: 2022-03-15. Review status: criteria provided, single submitter. Criteria: ACMG Guidelines, 2015. Collection method: clinical testing. Allele origin: germline. Affected: no.

Ambry Genetics
Classification: Pathogenic for Cardiovascular phenotype; Hereditary cancer-predisposing syndrome. Last evaluated: 2021-07-21. Review status: criteria provided, single submitter. Criteria: Ambry Variant Classification Scheme 2023. Collection method: clinical testing. Allele origin: germline.
Comment: The p.Q1801* pathogenic mutation (also known as c.5401C>T), located in coding exon 37 of the NF1 gene, results from a C to T substitution at nucleotide position 5401. This changes the amino acid from a glutamine to a stop codon within coding exon 37. This alteration has been identified in multiple individuals with a confirmed or suspected clinical diagnosis of neurofibromatosis type 1 (Lee MJ et al. Hum Mutat. 2006 Aug;27:832; Giugliano T et al. Genes (Basel). 2019 07;10:; Xu W et al. Int J Mol Med. 2014 Jul;34:53-60). This variant is considered to be rare based on population cohorts in the Genome Aggregation Database (gnomAD). In addition to the clinical data presented in the literature, this alteration is expected to result in loss of function by premature protein truncation or nonsense-mediated mRNA decay. As such, this alteration is interpreted as a disease-causing mutation.

Genome Diagnostics Laboratory, The Hospital for Sick Children
Classification: Pathogenic for Neurofibromatosis, type 1. Last evaluated: 2020-10-26. Review status: criteria provided, single submitter. Criteria: ACMG Guidelines, 2015. Collection method: clinical testing. Allele origin: germline. Affected: yes.

Literature cited by the submitters: PubMed 16835897 (cited by Center for Genomic Medicine, Rigshospitalet, Copenhagen University Hospital and Labcorp Genetics (formerly Invitae), Labcorp); PubMed 10712197 (cited by Labcorp Genetics (formerly Invitae), Labcorp); PubMed 23913538 (cited by Labcorp Genetics (formerly Invitae), Labcorp).

NM_001042492.3(NF1):c.5464C>T (p.Gln1822Ter)

Gene: NF1 (neurofibromin 1; plus strand). Cytogenetic location: 17q11.2.
Variant type: single nucleotide variant.
Coding change: c.5464C>T on transcript NM_001042492.3 (MANE Select); coding-DNA position 5464, C replaced by T.
Protein change: p.Gln1822Ter; replaces glutamine 1822 with a stop codon.
Molecular consequence: nonsense.
Genome position (GRCh38, 1-based): chr17:31,327,694, C>T. VCF-style: chr17-31327694-C-T. GRCh37 (hg19) VCF-style: chr17-29654712-C-T.
Other names: c.5401C>T, p.Gln1801Ter (NM_000267.4); short protein forms Q1801*, Q1822*.
Identifiers: ClinVar variation 996430 (VCV000996430.13), dbSNP rs2069381323, ClinGen allele CA399009500.